The following is an entry in ClinVar:

ClinVar aggregate classification (germline): Conflicting classifications of pathogenicity. Review status: criteria provided, conflicting classifications (1 of 4 stars). 6 submissions from 6 submitters: Uncertain significance (5); Likely benign (1). Last evaluated 2025-08-06.

Conditions:
Hereditary nonpolyposis colorectal neoplasms. Identifiers: MedGen C0009405, MeSH D003123.
Lynch syndrome. Identifiers: Orphanet 144, MedGen C4552100, MONDO:0005835. Disease mechanism: loss of function.
Lynch syndrome 4 (LYNCH4). Also called: Colorectal cancer, hereditary nonpolyposis, type 4; Hereditary non-polyposis colorectal cancer, type 4. Identifiers: Orphanet 144, MedGen C1838333, MONDO:0013699, OMIM 614337. Disease mechanism: loss of function.
Hereditary cancer-predisposing syndrome. Also called: Hereditary Cancer Syndrome; Neoplastic Syndromes, Hereditary; Tumor predisposition; Hereditary neoplastic syndrome. Identifiers: Orphanet 140162, MedGen C0027672, MeSH D009386, MONDO:0015356.

Allele frequency attached by ClinVar (database versions not stated): TOPMed below 0.00001; gnomAD exomes 0.00001.
gnomAD v4.1: 8 of 1,614,052 alleles (0.0005%); highest among the groups gnomAD compares: Non-Finnish European, 0.00068%; no homozygotes.

Submissions (6):

Labcorp Genetics (formerly Invitae), Labcorp
Classification: Uncertain significance for Hereditary nonpolyposis colorectal neoplasms. Last evaluated: 2025-08-06. Review status: criteria provided, single submitter. Criteria: Invitae Variant Classification Sherloc (09022015). Collection method: clinical testing. Allele origin: germline.
Comment: This sequence change replaces serine, which is neutral and polar, with cysteine, which is neutral and slightly polar, at codon 545 of the PMS2 protein (p.Ser545Cys). This variant is not present in population databases (gnomAD no frequency). This variant has not been reported in the literature in individuals affected with PMS2-related conditions. ClinVar contains an entry for this variant (Variation ID: 480321). Invitae Evidence Modeling incorporating data from in vitro experimental studies (internal data) indicates that this missense variant is not expected to disrupt PMS2 function with a negative predictive value of 95%. In summary, the available evidence is currently insufficient to determine the role of this variant in disease. Therefore, it has been classified as a Variant of Uncertain Significance.

All of Us Research Program, National Institutes of Health
Classification: Uncertain significance for Lynch syndrome. Last evaluated: 2024-03-24. Review status: criteria provided, single submitter. Criteria: ACMG Guidelines, 2015. Collection method: clinical testing. Allele origin: germline. Inheritance: Autosomal dominant inheritance. Observed: 3 variant alleles, 3 heterozygotes.
Comment: This missense variant replaces serine with cysteine at codon 545 of the PMS2 protein. Computational prediction suggests that this variant may not impact protein structure and function (internally defined REVEL score threshold <= 0.5, PMID: 27666373). To our knowledge, functional studies have not been reported for this variant. This variant has not been reported in individuals affected with PMS2-related disorders in the literature. This variant has not been identified in the general population by the Genome Aggregation Database (gnomAD). The available evidence is insufficient to determine the role of this variant in disease conclusively. Therefore, this variant is classified as a Variant of Uncertain Significance.

This study involves interpretation of variants in research participants for the purpose of population health screening. Participant phenotype was not available at the time of variant classification. Additional details can be found in publication PMID: 35346344, PMCID: PMC8962531

Color Diagnostics, LLC DBA Color Health
Classification: Uncertain significance for Hereditary cancer-predisposing syndrome. Last evaluated: 2024-02-16. Review status: criteria provided, single submitter. Criteria: ACMG Guidelines, 2015. Collection method: clinical testing. Allele origin: germline.
Comment: This missense variant replaces serine with cysteine at codon 545 of the PMS2 protein. Computational prediction suggests that this variant may not impact protein structure and function (internally defined REVEL score threshold <= 0.5, PMID: 27666373). To our knowledge, functional studies have not been reported for this variant. This variant has not been reported in individuals affected with PMS2-related disorders in the literature. This variant has not been identified in the general population by the Genome Aggregation Database (gnomAD). The available evidence is insufficient to determine the role of this variant in disease conclusively. Therefore, this variant is classified as a Variant of Uncertain Significance.

Ambry Genetics
Classification: Likely benign for Hereditary cancer-predisposing syndrome. Last evaluated: 2023-12-12. Review status: criteria provided, single submitter. Criteria: Ambry Variant Classification Scheme 2023. Collection method: clinical testing. Allele origin: germline.

Women's Health and Genetics/Laboratory Corporation of America, LabCorp
Classification: Uncertain significance. Last evaluated: 2022-12-11. Review status: criteria provided, single submitter. Criteria: LabCorp Variant Classification Summary - May 2015. Collection method: clinical testing. Allele origin: germline.

Baylor Genetics
Classification: Uncertain significance for Lynch syndrome 4. Last evaluated: 2022-12-02. Review status: criteria provided, single submitter. Criteria: ACMG Guidelines, 2015. Collection method: clinical testing. Allele origin: unknown.

NM_000535.7(PMS2):c.1634C>G (p.Ser545Cys)

Gene: PMS2 (PMS1 homolog 2, mismatch repair system component; minus strand). Cytogenetic location: 7p22.1.
Variant type: single nucleotide variant.
Coding change: c.1634C>G on transcript NM_000535.7 (MANE Select); coding-DNA position 1634, C replaced by G.
Protein change: p.Ser545Cys; replaces serine 545 with cysteine.
Molecular consequence: missense variant. On other transcripts: non-coding transcript variant (1).
Genome position (GRCh38, 1-based): chr7:5,987,131, G>C on the plus strand (C>G on the coding strand, the complement: PMS2 is on the minus strand). VCF-style: chr7-5987131-G-C. GRCh37 (hg19) VCF-style: chr7-6026762-G-C.
Other names: c.1229C>G, p.Ser410Cys (NM_001322003.2, NM_001322004.2, NM_001322005.2 and 1 more transcripts); c.1478C>G, p.Ser493Cys (NM_001322006.2); c.1316C>G, p.Ser439Cys (NM_001322007.2, NM_001322008.2); c.1073C>G, p.Ser358Cys (NM_001322010.2); c.701C>G, p.Ser234Cys (NM_001322011.2, NM_001322012.2); c.1061C>G, p.Ser354Cys (NM_001322013.2); c.1634C>G, p.Ser545Cys (NM_001322014.2); c.1325C>G, p.Ser442Cys (NM_001322015.2); short protein forms S545C, S234C, S358C, S442C, S354C, S410C, S493C, S439C.
Identifiers: ClinVar variation 480321 (VCV000480321.25), dbSNP rs557906137, ClinGen allele CA153227998.